The following is an entry in ClinVar:

ClinVar aggregate classification (germline): Uncertain significance (1 of 4 stars; one submission).

Conditions:
PLXNA4-related disorder. Also called: PLXNA4-related condition.

gnomAD v4.1: 92 of 1,613,924 alleles (0.0057%); highest among the groups gnomAD compares: East Asian, 0.0022%; no homozygotes.

Submission:

PreventionGenetics, part of Exact Sciences
Classification: Uncertain significance for PLXNA4-related condition. Last evaluated: 2026-02-26. Review status: criteria provided, single submitter. Criteria: ACMG Guidelines, 2015. Collection method: clinical testing. Allele origin: germline.
Comment: The PLXNA4 c.4877G>A variant is predicted to result in the amino acid substitution p.Arg1626Gln. To our knowledge, this variant has not been reported in the literature. This variant is reported in 0.096% of alleles in individuals of European (Finnish) descent in gnomAD. Although we suspect that this variant may be benign, at this time, the clinical significance of this variant is uncertain due to the absence of conclusive functional and genetic evidence.

NM_020911.2(PLXNA4):c.4877G>A (p.Arg1626Gln)

Gene: PLXNA4 (plexin A4; minus strand). Cytogenetic location: 7q32.3.
Variant type: single nucleotide variant.
Coding change: c.4877G>A on transcript NM_020911.2 (MANE Select); coding-DNA position 4877, G replaced by A.
Protein change: p.Arg1626Gln; replaces arginine 1626 with glutamine.
Molecular consequence: missense variant.
Genome position (GRCh38, 1-based): chr7:132,146,688, C>T on the plus strand (G>A on the coding strand, the complement: PLXNA4 is on the minus strand). VCF-style: chr7-132146688-C-T. GRCh37 (hg19) VCF-style: chr7-131831447-C-T.
Other names: c.4877G>A, p.Arg1626Gln (NM_001393897.1); short protein forms R1626Q.
Identifiers: ClinVar variation 4986682 (VCV004986682.1).